The following is an entry in ClinVar:

NM_001177701.3(IFT27):c.319G>A (p.Ala107Thr)

Genes: CACNG2-DT (CACNG2 divergent transcript; plus strand), IFT27 (intraflagellar transport 27; minus strand). Cytogenetic location: 22q12.3.
Variant type: single nucleotide variant.
Coding change: c.319G>A on transcript NM_001177701.3 (MANE Select); coding-DNA position 319, G replaced by A.
Protein change: p.Ala107Thr; replaces alanine 107 with threonine.
Molecular consequence: missense variant.
Genome position (GRCh38, 1-based): chr22:36,763,952, C>T on the plus strand (G>A on the coding strand, the complement: IFT27 is on the minus strand). VCF-style: chr22-36763952-C-T. GRCh37 (hg19) VCF-style: chr22-37159996-C-T.
Other names: c.319G>A, p.Ala107Thr (NM_001363003.2); c.316G>A, p.Ala106Thr (NM_006860.5); short protein forms A107T, A106T.
Identifiers: ClinVar variation 749725 (VCV000749725.13), dbSNP rs576803886, ClinGen allele CA10212415.

ClinVar aggregate classification (germline): Conflicting classifications of pathogenicity. Review status: criteria provided, conflicting classifications (1 of 4 stars). 4 submissions from 4 submitters: Uncertain significance (1); Likely benign (2). 1 of the submissions does not count toward it. Last evaluated 2025-08-08.

Conditions:
IFT27-related disorder. Also called: IFT27-related condition.
Bardet-Biedl syndrome (BBS). Identifiers: Orphanet 110, MedGen C0752166, MONDO:0015229.

Allele frequency attached by ClinVar (database versions not stated): gnomAD 0.00001 and 0.00013; TOPMed 0.00005; gnomAD exomes 0.00039; ExAC 0.00043; 1000 Genomes Project 30x 0.00156; 1000 Genomes Project 0.00200.
gnomAD v4.1: 316 of 1,614,062 alleles (0.02%); highest among the groups gnomAD compares: South Asian, 0.28%; 4 homozygotes.

Submissions (4):

Labcorp Genetics (formerly Invitae), Labcorp
Classification: Likely benign. Last evaluated: 2025-08-08. Review status: criteria provided, single submitter. Criteria: Invitae Variant Classification Sherloc (09022015). Collection method: clinical testing. Allele origin: germline.

Blueprint Genetics
Classification: Likely benign. Last evaluated: 2024-11-06. Review status: criteria provided, single submitter. Criteria: ACMG Guidelines, 2015. Collection method: clinical testing. Allele origin: germline.

SN ONGC Dept of Genetics and Molecular biology Vision Research Foundation
Classification: Uncertain significance for Bardet-Biedl syndrome. Review status: criteria provided, single submitter. Criteria: ACMG Guidelines, 2015. Collection method: research. Allele origin: unknown. Affected: yes. Observed: 1 heterozygote.
Comment: This variant was observed in digenic inheritance with the variant NC_000014.8:g.21769243C>G.

PreventionGenetics, part of Exact Sciences
Classification: Likely benign for IFT27-related condition. Last evaluated: 2020-10-05. Review status: no assertion criteria provided. Collection method: clinical testing. Allele origin: germline. Not counted in ClinVar's aggregate classification.
Comment: This variant is classified as likely benign based on ACMG/AMP sequence variant interpretation guidelines (Richards et al. 2015 PMID: 25741868, with internal and published modifications).